The following is an entry in ClinVar:

NM_000824.5(GLRB):c.765C>G (p.Cys255Trp)

Gene: GLRB (glycine receptor beta; plus strand). Cytogenetic location: 4q32.1.
Variant type: single nucleotide variant.
Coding change: c.765C>G on transcript NM_000824.5 (MANE Select); coding-DNA position 765, C replaced by G.
Protein change: p.Cys255Trp; replaces cysteine 255 with tryptophan.
Molecular consequence: missense variant.
Genome position (GRCh38, 1-based): chr4:157,143,820, C>G. VCF-style: chr4-157143820-C-G. GRCh37 (hg19) VCF-style: chr4-158064972-C-G.
Other names: c.765C>G, p.Cys255Trp (NM_001166060.2, NM_001166061.2); short protein forms C255W.
Identifiers: ClinVar variation 1804697 (VCV001804697.1), dbSNP rs149595296, ClinGen allele CA358643888.

ClinVar aggregate classification (germline): Uncertain significance (1 of 4 stars; one submission).

gnomAD v4.1: 1 of 1,613,214 alleles (0.000062%); highest among the groups gnomAD compares: South Asian, 0.0011%; no homozygotes.

Submission:

Women's Health and Genetics/Laboratory Corporation of America, LabCorp
Classification: Uncertain significance. Last evaluated: 2022-11-16. Review status: criteria provided, single submitter. Criteria: LabCorp Variant Classification Summary - May 2015. Collection method: clinical testing. Allele origin: germline.
Comment: Variant summary: GLRB c.765C>G (p.Cys255Trp) results in a non-conservative amino acid change located in the Neurotransmitter-gated ion-channel ligand-binding domain of the encoded protein sequence. Five of five in-silico tools predict a damaging effect of the variant on protein function. The variant was absent in 250558 control chromosomes. The available data on variant occurrences in the general population are insufficient to allow any conclusion about variant significance. To our knowledge, no occurrence of c.765C>G in individuals affected with Hyperekplexia 2 and no experimental evidence demonstrating its impact on protein function have been reported. No clinical diagnostic laboratories have submitted clinical-significance assessments for this variant to ClinVar after 2014. Based on the evidence outlined above, the variant was classified as uncertain significance.